The following is an entry in ClinVar:

ClinVar aggregate classification (germline): Pathogenic. Review status: criteria provided, multiple submitters, no conflicts (2 of 4 stars). 3 submissions from 3 submitters: Pathogenic (2). 1 of the submissions does not count toward it. Last evaluated 2025-03-20.

Conditions:
Glycogen storage disease, type V (GSD5). Also called: MCARDLE DISEASE; MUSCLE GLYCOGEN PHOSPHORYLASE DEFICIENCY; MYOPHOSPHORYLASE DEFICIENCY; PYGM DEFICIENCY; McArdle type glycogen storage disease. Identifiers: Orphanet 368, MedGen C0017924, MONDO:0009293, OMIM 232600.

Submissions (3):

Natera, Inc.
Classification: Pathogenic for Glycogen storage disease V. Last evaluated: 2025-03-20. Review status: criteria provided, single submitter. Criteria: Natera Variant Classification Schema (03/2026). Collection method: clinical testing. Allele origin: germline.
Comment: The c.407delG variant in PYGM is a frameshift variant predicted to shift the reading frame beginning at codon 136 and leads to a stop codon 159 codons downstream. This variant is expected to result in nonsense mediated decay, truncation, or a dysfunctional protein product. This variant is rare in the general population with a frequency below the threshold expected for the associated phenotype(s). This variant has been observed in one or more individuals affected with the associated recessive disease, as either homozygous or compound heterozygous with a second variant (PMID: 18162322). Given the available evidence, this variant is classified as Pathogenic.

Labcorp Genetics (formerly Invitae), Labcorp
Classification: Pathogenic for Glycogen storage disease, type V. Last evaluated: 2024-01-24. Review status: criteria provided, single submitter. Criteria: Invitae Variant Classification Sherloc (09022015). Collection method: clinical testing. Allele origin: germline.
Comment: This sequence change creates a premature translational stop signal (p.Gly136Alafs*159) in the PYGM gene. It is expected to result in an absent or disrupted protein product. Loss-of-function variants in PYGM are known to be pathogenic (PMID: 8316268, 16786513). This variant is present in population databases (rs786204723, gnomAD 0.003%). This premature translational stop signal has been observed in individual(s) with glycogen storage disease (PMID: 22250184). This variant is also known as p.G136AfsX159 (c.407G>A). ClinVar contains an entry for this variant (Variation ID: 189130). For these reasons, this variant has been classified as Pathogenic.

Counsyl
Classification: Likely pathogenic for Glycogen storage disease, type V. Last evaluated: 2015-01-16. Review status: no assertion criteria provided. Collection method: literature only. Allele origin: unknown. Inheritance: Autosomal recessive inheritance. Not counted in ClinVar's aggregate classification.

Literature cited by the submitters: PubMed 18162322 (cited by Natera, Inc. and Counsyl); PubMed 8316268 (cited by Labcorp Genetics (formerly Invitae), Labcorp); PubMed 16786513 (cited by Labcorp Genetics (formerly Invitae), Labcorp); PubMed 22250184 (cited by Labcorp Genetics (formerly Invitae), Labcorp and Counsyl); PubMed 19232494 (cited by Counsyl).

NM_005609.4(PYGM):c.407del (p.Gly136fs)

Gene: PYGM (glycogen phosphorylase, muscle associated; minus strand). Cytogenetic location: 11q13.1.
Variant type: Deletion.
Coding change: c.407del on transcript NM_005609.4 (MANE Select); coding-DNA position 407, one base deleted (G; older notation c.407delG).
Protein change: p.Gly136fs; shifts the reading frame from glycine 136.
Molecular consequence: frameshift variant. On other transcripts: intron variant (1).
Genome position (GRCh38, 1-based): chr11:64,758,454, C deleted on the plus strand (G on the coding strand, the reverse complement: PYGM is on the minus strand); the first of 5 consecutive C bases (chr11:64,758,454-64,758,458); deleting any one gives the same sequence. VCF-style (leftmost placement, unchanged base first): chr11-64758453-GC-G. GRCh37 (hg19) VCF-style: chr11-64525925-GC-G.
Other names: c.244-188del (NM_001164716.1); c.407delG (NM_005609.3); short protein forms G136fs.
Identifiers: ClinVar variation 189130 (VCV000189130.9), dbSNP rs786204723, ClinGen allele CA274407.
Genomic context (GRCh38, chr11:64,758,453, plus strand): 5'-GGACCCCATCGGCCCACTCCACCCTCACGGCCCTGTCTTCTTACCTGCCAGCCGGCCCAG[GC>G]CCCCGTTGCCCAGCCCCGCATCCTCCTCAATTTCCTCCAGCTCCTCCATGTCCAGGCCCA-3'